The following is an entry in ClinVar:

NM_001846.4(COL4A2):c.550-13T>C

Gene: COL4A2 (collagen type IV alpha 2 chain; plus strand). Cytogenetic location: 13q34.
Variant type: single nucleotide variant.
Coding change: c.550-13T>C on transcript NM_001846.4 (MANE Select); 13 bases into the intron before coding-DNA position 550, T replaced by C.
Molecular consequence: intron variant.
Genome position (GRCh38, 1-based): chr13:110,430,388, T>C. VCF-style: chr13-110430388-T-C. GRCh37 (hg19) VCF-style: chr13-111082735-T-C.
Identifiers: ClinVar variation 311105 (VCV000311105.7), dbSNP rs572328853, ClinGen allele CA7048956.

ClinVar aggregate classification (germline): Benign. Review status: criteria provided, single submitter (1 of 4 stars). 3 submissions from 3 submitters: Benign (1). 2 of the submissions do not count toward it. Last evaluated 2018-01-12.

Conditions:
Brain small vessel disease 2A, autosomal dominant. Also called: Porencephaly 2. Identifiers: Orphanet 2940, Orphanet 99810, MedGen C3280970, MONDO:0013773, OMIM 614483.

Allele frequency attached by ClinVar (database versions not stated): gnomAD exomes 0.00002 and 0.00008; TOPMed 0.00002; gnomAD 0.00003; ExAC 0.00008.
gnomAD v4.1: 39 of 1,607,004 alleles (0.0024%); highest among the groups gnomAD compares: Admixed American, 0.026%; no homozygotes.

Submissions (3):

Illumina Laboratory Services, Illumina
Classification: Benign for Brain small vessel disease 2A, autosomal dominant. Last evaluated: 2018-01-12. Review status: criteria provided, single submitter. Criteria: ICSL Variant Classification Criteria 13 December 2019. Collection method: clinical testing. Allele origin: germline.
Comment: This variant was observed in the ICSL laboratory as part of a predisposition screen in an ostensibly healthy population. It had not been previously curated by ICSL or reported in the Human Gene Mutation Database (HGMD: prior to June 1st, 2018), and was therefore a candidate for classification through an automated scoring system. Utilizing variant allele frequency, disease prevalence and penetrance estimates, and inheritance mode, an automated score was calculated to assess if this variant is too frequent to cause the disease. Based on the score and internal cut-off values, a variant classified as benign is not then subjected to further curation. The score for this variant resulted in a classification of benign for this disease.

Clinical Genetics DNA and cytogenetics Diagnostics Lab, Erasmus MC, Erasmus Medical Center
Classification: Benign. Review status: no assertion criteria provided. Collection method: clinical testing. Allele origin: germline. Affected: yes. Study: VKGL Data-share Consensus. Not counted in ClinVar's aggregate classification.

Laboratory of Diagnostic Genome Analysis, Leiden University Medical Center (LUMC)
Classification: Likely benign. Review status: no assertion criteria provided. Collection method: clinical testing. Allele origin: germline. Affected: yes. Study: VKGL Data-share Consensus. Not counted in ClinVar's aggregate classification.